The following is an entry in ClinVar:

NM_020911.2(PLXNA4):c.1847C>T (p.Ala616Val)

Gene: PLXNA4 (plexin A4; minus strand). Cytogenetic location: 7q32.3.
Variant type: single nucleotide variant.
Coding change: c.1847C>T on transcript NM_020911.2 (MANE Select); coding-DNA position 1847, C replaced by T.
Protein change: p.Ala616Val; replaces alanine 616 with valine.
Molecular consequence: missense variant.
Genome position (GRCh38, 1-based): chr7:132,227,486, G>A on the plus strand (C>T on the coding strand, the complement: PLXNA4 is on the minus strand). VCF-style: chr7-132227486-G-A. GRCh37 (hg19) VCF-style: chr7-131912245-G-A.
Other names: c.1847C>T, p.Ala616Val (NM_001393897.1); short protein forms A616V.
Identifiers: ClinVar variation 4999383 (VCV004999383.1).

ClinVar aggregate classification (germline): Uncertain significance (1 of 4 stars; one submission).

Conditions:
PLXNA4-related disorder. Also called: PLXNA4-related condition.

Submission:

PreventionGenetics, part of Exact Sciences
Classification: Uncertain significance for PLXNA4-related condition. Last evaluated: 2024-10-17. Review status: criteria provided, single submitter. Criteria: ACMG Guidelines, 2015. Collection method: clinical testing. Allele origin: germline.
Comment: The PLXNA4 c.1847C>T variant is predicted to result in the amino acid substitution p.Ala616Val. To our knowledge, this variant has not been reported in the literature or in a large population database (gnomAD), indicating this variant is rare. At this time, the clinical significance of this variant is uncertain due to the absence of conclusive functional and genetic evidence.